The following is an entry in ClinVar:

ClinVar aggregate classification (germline): Uncertain significance (1 of 4 stars; one submission).

Conditions:
CEP290-related disorder. Also called: CEP290-related disorders; CEP290-related condition. Identifiers: MedGen CN239314.

gnomAD v4.1: 4 of 1,597,436 alleles (0.00025%); highest among the groups gnomAD compares: Admixed American, 0.0034%; no homozygotes.

Submission:

PreventionGenetics, part of Exact Sciences
Classification: Uncertain significance for CEP290-related condition. Last evaluated: 2026-06-03. Review status: criteria provided, single submitter. Criteria: ACMG Guidelines, 2015. Collection method: clinical testing. Allele origin: germline.
Comment: The CEP290 c.4222G>T variant is predicted to result in the amino acid substitution p.Asp1408Tyr. To our knowledge, this variant has not been reported in the literature. This variant is reported in 0.0091% of alleles in individuals of Latino descent in gnomAD. At this time, the clinical significance of this variant is uncertain due to the absence of conclusive functional and genetic evidence.

NM_025114.4(CEP290):c.4222G>T (p.Asp1408Tyr)

Gene: CEP290 (centrosomal protein 290; minus strand). Cytogenetic location: 12q21.32.
Variant type: single nucleotide variant.
Coding change: c.4222G>T on transcript NM_025114.4 (MANE Select); coding-DNA position 4222, G replaced by T.
Protein change: p.Asp1408Tyr; replaces aspartic acid 1408 with tyrosine.
Molecular consequence: missense variant.
Genome position (GRCh38, 1-based): chr12:88,086,471, C>A on the plus strand (G>T on the coding strand, the complement: CEP290 is on the minus strand). VCF-style: chr12-88086471-C-A. GRCh37 (hg19) VCF-style: chr12-88480248-C-A.
Other names: short protein forms D1408Y.
Identifiers: ClinVar variation 4986746 (VCV004986746.1).